The following is an entry in ClinVar:

ClinVar aggregate classification (germline): Benign/Likely benign. Review status: criteria provided, multiple submitters, no conflicts (2 of 4 stars). 12 submissions from 12 submitters: Benign (2); Likely benign (9). 1 of the submissions does not count toward it. Last evaluated 2026-02-03.

Conditions:
STK11-related disorder. Also called: STK11-related condition.
Hereditary cancer-predisposing syndrome. Also called: Tumor predisposition; Neoplastic Syndromes, Hereditary; Hereditary Cancer Syndrome; Hereditary neoplastic syndrome. Identifiers: Orphanet 140162, MedGen C0027672, MeSH D009386, MONDO:0015356.
Peutz-Jeghers syndrome (PJS). Also called: Peutz-Jeghers polyposis; Periorificial lentiginosis syndrome; POLYPOSIS, HAMARTOMATOUS INTESTINAL; POLYPS-AND-SPOTS SYNDROME. Identifiers: Orphanet 2869, MedGen C0031269, MeSH D010580, MONDO:0008280, OMIM 175200.

Allele frequency attached by ClinVar (database versions not stated): ExAC 0.00002; gnomAD 0.00002; gnomAD exomes 0.00002 and 0.00003; TOPMed 0.00004.
gnomAD v4.1: 34 of 1,611,620 alleles (0.0021%); highest among the groups gnomAD compares: South Asian, 0.0022%; no homozygotes.

Submissions (12):

Labcorp Genetics (formerly Invitae), Labcorp
Classification: Likely benign for Peutz-Jeghers syndrome. Last evaluated: 2026-02-03. Review status: criteria provided, single submitter. Criteria: Invitae Variant Classification Sherloc (09022015). Collection method: clinical testing. Allele origin: germline.

Myriad Genetics, Inc.
Classification: Benign for Peutz-Jeghers syndrome. Last evaluated: 2025-03-28. Review status: criteria provided, single submitter. Criteria: Myriad Autosomal Dominant, Autosomal Recessive and X-Linked Classification Criteria (2023). Collection method: clinical testing. Allele origin: unknown.
Comment: This variant is considered benign. This variant is a silent/synonymous amino acid change and it is not expected to impact splicing.

CeGaT Center for Human Genetics Tuebingen
Classification: Likely benign. Last evaluated: 2024-02-01. Review status: criteria provided, single submitter. Criteria: CeGaT Center For Human Genetics Tuebingen Variant Classification Criteria Version 2. Collection method: clinical testing. Allele origin: germline. Affected: yes. Observed: 3 variant alleles.
Comment: STK11: BP4, BP7

All of Us Research Program, National Institutes of Health
Classification: Likely benign for Peutz-Jeghers syndrome. Last evaluated: 2023-12-07. Review status: criteria provided, single submitter. Criteria: ACMG Guidelines, 2015. Collection method: clinical testing. Allele origin: germline. Inheritance: Autosomal dominant inheritance. Observed: 8 variant alleles, 8 heterozygotes.
Comment: This study involves interpretation of variants in research participants for the purpose of population health screening. Participant phenotype was not available at the time of variant classification. Additional details can be found in publication PMID: 35346344, PMCID: PMC8962531

Genome-Nilou Lab
Classification: Likely benign for Peutz-Jeghers syndrome. Last evaluated: 2021-07-15. Review status: criteria provided, single submitter. Criteria: ACMG Guidelines, 2015. Collection method: clinical testing. Allele origin: germline. Affected: no.

Quest Diagnostics Nichols Institute San Juan Capistrano
Classification: Benign. Last evaluated: 2021-02-19. Review status: criteria provided, single submitter. Criteria: Quest Diagnostics criteria. Collection method: clinical testing. Allele origin: unknown.

Department of Pathology and Laboratory Medicine, Sinai Health System
Classification: Likely benign for Peutz-Jeghers syndrome. Last evaluated: 2020-10-05. Review status: criteria provided, single submitter. Criteria: ACMG Guidelines, 2015. Collection method: clinical testing. Allele origin: germline. Affected: yes.

Genetic Services Laboratory, University of Chicago
Classification: Likely benign. Last evaluated: 2020-03-09. Review status: criteria provided, single submitter. Criteria: ACMG Guidelines, 2015. Collection method: clinical testing. Allele origin: germline. Affected: no.

GeneDx
Classification: Likely benign. Last evaluated: 2020-03-07. Review status: criteria provided, single submitter. Criteria: GeneDx Variant Classification Process June 2021. Collection method: clinical testing. Allele origin: germline. Affected: yes.

Color Diagnostics, LLC DBA Color Health
Classification: Likely benign for Hereditary cancer-predisposing syndrome. Last evaluated: 2017-01-25. Review status: criteria provided, single submitter. Criteria: ACMG Guidelines, 2015. Collection method: clinical testing. Allele origin: germline.

Ambry Genetics
Classification: Likely benign for Hereditary cancer-predisposing syndrome. Last evaluated: 2014-12-08. Review status: criteria provided, single submitter. Criteria: Ambry Variant Classification Scheme 2023. Collection method: clinical testing. Allele origin: germline.

PreventionGenetics, part of Exact Sciences
Classification: Likely benign for STK11-related condition. Last evaluated: 2020-02-24. Review status: no assertion criteria provided. Collection method: clinical testing. Allele origin: germline. Not counted in ClinVar's aggregate classification.
Comment: This variant is classified as likely benign based on ACMG/AMP sequence variant interpretation guidelines (Richards et al. 2015 PMID: 25741868, with internal and published modifications).

NM_000455.5(STK11):c.1050C>T (p.Asp350=)

Genes: STK11 (serine/threonine kinase 11; plus strand), LOC130062899 (ATAC-STARR-seq lymphoblastoid active region 13597; plus strand). Cytogenetic location: 19p13.3.
Variant type: single nucleotide variant.
Coding change: c.1050C>T on transcript NM_000455.5 (MANE Select); coding-DNA position 1050, C replaced by T.
Protein change: p.Asp350=; no amino-acid change (aspartic acid 350 retained).
Molecular consequence: synonymous variant.
Genome position (GRCh38, 1-based): chr19:1,223,114, C>T. VCF-style: chr19-1223114-C-T. GRCh37 (hg19) VCF-style: chr19-1223113-C-T.
Identifiers: ClinVar variation 184376 (VCV000184376.63), dbSNP rs779583262, ClinGen allele CA022234.
Genomic context (GRCh38, chr19:1,223,114, plus strand): 5'-CCGGTGGCGCAGCATGACTGTGGTGCCGTACTTGGAGGACCTGCACGGCGCGGACGAGGA[C>T]GAGGACCTCTTCGACATCGAGGATGACATCATCTACACTCAGGACTTCACGGTGCCCGGT-3'
Protein context (NP_000446.1, residues 340-360): YLEDLHGADE[Asp350=]EDLFDIEDDI